The following is an entry in ClinVar:

NM_004655.4(AXIN2):c.641G>T (p.Gly214Val)

Gene: AXIN2 (axin 2; minus strand). Cytogenetic location: 17q24.1.
Variant type: single nucleotide variant.
Coding change: c.641G>T on transcript NM_004655.4 (MANE Select); coding-DNA position 641, G replaced by T.
Protein change: p.Gly214Val; replaces glycine 214 with valine.
Molecular consequence: missense variant.
Genome position (GRCh38, 1-based): chr17:65,557,980, C>A on the plus strand (G>T on the coding strand, the complement: AXIN2 is on the minus strand). VCF-style: chr17-65557980-C-A. GRCh37 (hg19) VCF-style: chr17-63554098-C-A.
Other names: c.641G>T, p.Gly214Val (NM_001363813.1); short protein forms G214V.
Identifiers: ClinVar variation 3019222 (VCV003019222.4), dbSNP rs1419378216, ClinGen allele CA400680585.

ClinVar aggregate classification (germline): Uncertain significance. Review status: criteria provided, multiple submitters, no conflicts (2 of 4 stars). 2 submissions from 2 submitters: Uncertain significance (2). Last evaluated 2023-12-23.

Conditions:
Hereditary cancer-predisposing syndrome. Also called: Tumor predisposition; Hereditary neoplastic syndrome; Hereditary Cancer Syndrome; Neoplastic Syndromes, Hereditary. Identifiers: Orphanet 140162, MedGen C0027672, MeSH D009386, MONDO:0015356.
Oligodontia-cancer predisposition syndrome. Also called: TOOTH AGENESIS-COLORECTAL CANCER SYNDROME. Identifiers: Orphanet 300576, MedGen C1837750, MONDO:0012075, OMIM 608615. Disease mechanism: loss of function.

Allele frequency attached by ClinVar (database versions not stated): gnomAD 0.00001; gnomAD exomes 0.00001.
gnomAD v4.1: 18 of 1,614,044 alleles (0.0011%); highest among the groups gnomAD compares: Non-Finnish European, 0.0015%; no homozygotes.

Submissions (2):

Ambry Genetics
Classification: Uncertain significance for Hereditary cancer-predisposing syndrome. Last evaluated: 2023-12-23. Review status: criteria provided, single submitter. Criteria: Ambry Variant Classification Scheme 2023. Collection method: clinical testing. Allele origin: germline.
Comment: The p.G214V variant (also known as c.641G>T), located in coding exon 1 of the AXIN2 gene, results from a G to T substitution at nucleotide position 641. The glycine at codon 214 is replaced by valine, an amino acid with dissimilar properties. This amino acid position is conserved. In addition, this alteration is predicted to be deleterious by in silico analysis. Since supporting evidence is limited at this time, the clinical significance of this alteration remains unclear.

Labcorp Genetics (formerly Invitae), Labcorp
Classification: Uncertain significance for Oligodontia-cancer predisposition syndrome. Last evaluated: 2023-08-02. Review status: criteria provided, single submitter. Criteria: Invitae Variant Classification Sherloc (09022015). Collection method: clinical testing. Allele origin: germline.
Comment: This variant has not been reported in the literature in individuals affected with AXIN2-related conditions. This variant is present in population databases (no rsID available, gnomAD 0.007%). This sequence change replaces glycine, which is neutral and non-polar, with valine, which is neutral and non-polar, at codon 214 of the AXIN2 protein (p.Gly214Val). Advanced modeling of protein sequence and biophysical properties (such as structural, functional, and spatial information, amino acid conservation, physicochemical variation, residue mobility, and thermodynamic stability) performed at Invitae indicates that this missense variant is not expected to disrupt AXIN2 protein function. In summary, the available evidence is currently insufficient to determine the role of this variant in disease. Therefore, it has been classified as a Variant of Uncertain Significance.